The following is an entry in ClinVar:

NM_001267550.2(TTN):c.49758T>G (p.Tyr16586Ter)

Genes: TTN-AS1 (TTN antisense RNA 1; plus strand), TTN (titin; minus strand). Cytogenetic location: 2q31.2.
Variant type: single nucleotide variant.
Coding change: c.49758T>G on transcript NM_001267550.2 (MANE Select); coding-DNA position 49758, T replaced by G.
Protein change: p.Tyr16586Ter; replaces tyrosine 16586 with a stop codon.
Molecular consequence: nonsense.
Genome position (GRCh38, 1-based): chr2:178,612,963, A>C on the plus strand (T>G on the coding strand, the complement: TTN is on the minus strand). VCF-style: chr2-178612963-A-C. GRCh37 (hg19) VCF-style: chr2-179477690-A-C.
Other names: c.44835T>G, p.Tyr14945Ter (NM_001256850.1); c.22563T>G, p.Tyr7521Ter (NM_003319.4); c.42054T>G, p.Tyr14018Ter (NM_133378.4); c.22938T>G, p.Tyr7646Ter (NM_133432.3); c.23139T>G, p.Tyr7713Ter (NM_133437.4); short protein forms Y14018*, Y14945*, Y16586*, Y7521*, Y7646*, Y7713*.
Identifiers: ClinVar variation 837835 (VCV000837835.10), dbSNP rs72677247, ClinGen allele CA349601160.
Genomic context (GRCh38, chr2:178,612,963, plus strand): 5'-GGGAACCCCTTCCGCCACTCTGACCCACTCATCTGTTCCAGTCTTCAGCATTTCAATGAC[A>C]TAAGACTCAATCTTTGCACCTCCATCATGTTCTGGTTTTGTCCAATTCAACCTTACTGAT-3'

ClinVar aggregate classification (germline): Likely pathogenic (1 of 4 stars; one submission).

Conditions:
Dilated cardiomyopathy 1G (CMD1G). Identifiers: Orphanet 154, MedGen C1858763, MONDO:0011400, OMIM 604145.
Autosomal recessive limb-girdle muscular dystrophy type 2J (LGMDR10). Also called: Limb-girdle muscular dystrophy, type 2J; MUSCULAR DYSTROPHY, LIMB-GIRDLE, AUTOSOMAL RECESSIVE 10. Identifiers: Orphanet 140922, MedGen C1837342, MONDO:0012127, OMIM 608807.

gnomAD v4.1: 1 of 1,612,730 alleles (0.000062%); highest among the groups gnomAD compares: Non-Finnish European, 0.000085%; no homozygotes.

Submission:

Labcorp Genetics (formerly Invitae), Labcorp
Classification: Likely pathogenic for Dilated cardiomyopathy 1G; Autosomal recessive limb-girdle muscular dystrophy type 2J. Last evaluated: 2020-12-15. Review status: criteria provided, single submitter. Criteria: Invitae Variant Classification Sherloc (09022015). Collection method: clinical testing. Allele origin: germline.
Comment: This variant has not been reported in the literature in individuals with TTN-related conditions. In summary, the currently available evidence indicates that the variant is pathogenic, but additional data are needed to prove that conclusively. Therefore, this variant has been classified as Likely Pathogenic. This variant is located in the A band of TTN (PMID: 25589632). Truncating variants in this region are significantly overrepresented in patients affected with dilated cardiomyopathy (PMID: 25589632). Truncating variants in this region have also been reported in individuals affected with autosomal recessive centronuclear myopathy (PMID: 23975875). This variant is not present in population databases (ExAC no frequency). This sequence change results in a premature translational stop signal in the TTN gene (p.Tyr16586*). While this is not anticipated to result in nonsense mediated decay, it is expected to create a truncated TTN protein.

Literature cited by the submitters: PubMed 25589632; PubMed 23975875.